The following is an entry in ClinVar:

NM_001367624.2(ZNF469):c.682C>T (p.Gln228Ter)

Gene: ZNF469 (zinc finger protein 469; plus strand). Cytogenetic location: 16q24.2.
Variant type: single nucleotide variant.
Coding change: c.682C>T on transcript NM_001367624.2 (MANE Select); coding-DNA position 682, C replaced by T.
Protein change: p.Gln228Ter; replaces glutamine 228 with a stop codon.
Molecular consequence: nonsense.
Genome position (GRCh38, 1-based): chr16:88,428,152, C>T. VCF-style: chr16-88428152-C-T. GRCh37 (hg19) VCF-style: chr16-88494560-C-T.
Other names: short protein forms Q228*.
Identifiers: ClinVar variation 4800913 (VCV004800913.1).

ClinVar aggregate classification (germline): Pathogenic (1 of 4 stars; one submission).

gnomAD v4.1: 3 of 1,550,198 alleles (0.00019%); no homozygotes.

Submission:

Labcorp Genetics (formerly Invitae), Labcorp
Classification: Pathogenic. Last evaluated: 2025-06-09. Review status: criteria provided, single submitter. Criteria: Invitae Variant Classification Sherloc (09022015). Collection method: clinical testing. Allele origin: germline.
Comment: This sequence change creates a premature translational stop signal (p.Gln228*) in the ZNF469 gene. It is expected to result in an absent or disrupted protein product. Loss-of-function variants in ZNF469 are known to be pathogenic (PMID: 23642083, 23680354). This variant is not present in population databases (gnomAD no frequency). This variant has not been reported in the literature in individuals affected with ZNF469-related conditions. For these reasons, this variant has been classified as Pathogenic.

Literature cited by the submitters: PubMed 23642083; PubMed 23680354.